The following is an entry in ClinVar:

NM_004380.3(CREBBP):c.7198T>G (p.Leu2400Val)

Gene: CREBBP (CREB binding lysine acetyltransferase; minus strand). Cytogenetic location: 16p13.3.
Variant type: single nucleotide variant.
Coding change: c.7198T>G on transcript NM_004380.3 (MANE Select); coding-DNA position 7198, T replaced by G.
Protein change: p.Leu2400Val; replaces leucine 2400 with valine.
Molecular consequence: missense variant.
Genome position (GRCh38, 1-based): chr16:3,727,849, A>C on the plus strand (T>G on the coding strand, the complement: CREBBP is on the minus strand). VCF-style: chr16-3727849-A-C. GRCh37 (hg19) VCF-style: chr16-3777850-A-C.
Other names: c.7084T>G, p.Leu2362Val (NM_001079846.1); short protein forms L2362V, L2400V.
Identifiers: ClinVar variation 4996890 (VCV004996890.1).
Genomic context (GRCh38, chr16:3,727,849, plus strand): 5'-GCGCACTCCTGCTGGGGGTGTTCAGCTGGGGGAGCATTGCACTCTGTTCGGGGTTCCCCA[A>C]GTGTCCCTGATCTATGGAGCTGGCCATGGTGACTGCGAGTCCGGGGTGGGGGGAACCAGT-3'
Protein context (NP_004371.2, residues 2390-2410): TMASSIDQGH[Leu2400Val]GNPEQSAMLP

ClinVar aggregate classification (germline): Uncertain significance (1 of 4 stars; one submission).

Conditions:
CREBBP-related disorder. Also called: CREBBP-related condition; CREBBP-related disorders.

Submission:

PreventionGenetics, part of Exact Sciences
Classification: Uncertain significance for CREBBP-related condition. Last evaluated: 2025-01-02. Review status: criteria provided, single submitter. Criteria: ACMG Guidelines, 2015. Collection method: clinical testing. Allele origin: germline.
Comment: The CREBBP c.7198T>G variant is predicted to result in the amino acid substitution p.Leu2400Val. To our knowledge, this variant has not been reported in the literature or in a large population database (gnomAD), indicating this variant is rare. At this time, the clinical significance of this variant is uncertain due to the absence of conclusive functional and genetic evidence.